The following is an entry in ClinVar:

NM_001437.3(ESR2):c.683T>C (p.Leu228Pro)

Gene: ESR2 (estrogen receptor 2; minus strand). Cytogenetic location: 14q23.2.
Variant type: single nucleotide variant.
Coding change: c.683T>C on transcript NM_001437.3 (MANE Select); coding-DNA position 683, T replaced by C.
Protein change: p.Leu228Pro; replaces leucine 228 with proline.
Molecular consequence: missense variant. On other transcripts: non-coding transcript variant (2).
Genome position (GRCh38, 1-based): chr14:64,260,718, A>G on the plus strand (T>C on the coding strand, the complement: ESR2 is on the minus strand). VCF-style: chr14-64260718-A-G. GRCh37 (hg19) VCF-style: chr14-64727436-A-G.
Other names: c.683T>C, p.Leu228Pro (NM_001214902.1, NM_001271876.1, NM_001271877.1 and 3 more transcripts); c.683T>C (NM_001437.2); short protein forms L228P.
Identifiers: ClinVar variation 2723319 (VCV002723319.4), dbSNP rs561226739, ClinGen allele CA7225484.

ClinVar aggregate classification (germline): Uncertain significance. Review status: criteria provided, multiple submitters, no conflicts (2 of 4 stars). 2 submissions from 2 submitters: Uncertain significance (2). Last evaluated 2023-11-17.

Allele frequency attached by ClinVar (database versions not stated): 1000 Genomes Project 30x 0.00016.
gnomAD v4.1: 173 of 1,532,586 alleles (0.011%); highest among the groups gnomAD compares: Middle Eastern, 0.072%; 2 homozygotes.

Submissions (2):

Labcorp Genetics (formerly Invitae), Labcorp
Classification: Uncertain significance. Last evaluated: 2023-11-17. Review status: criteria provided, single submitter. Criteria: Invitae Variant Classification Sherloc (09022015). Collection method: clinical testing. Allele origin: germline.
Comment: This sequence change replaces leucine, which is neutral and non-polar, with proline, which is neutral and non-polar, at codon 228 of the ESR2 protein (p.Leu228Pro). This variant is present in population databases (rs561226739, gnomAD 0.1%), and has an allele count higher than expected for a pathogenic variant. This variant has not been reported in the literature in individuals affected with ESR2-related conditions. Advanced modeling of protein sequence and biophysical properties (such as structural, functional, and spatial information, amino acid conservation, physicochemical variation, residue mobility, and thermodynamic stability) performed at Invitae indicates that this missense variant is not expected to disrupt ESR2 protein function with a negative predictive value of 80%. In summary, the available evidence is currently insufficient to determine the role of this variant in disease. Therefore, it has been classified as a Variant of Uncertain Significance.

Ambry Genetics
Classification: Uncertain significance. Last evaluated: 2023-09-20. Review status: criteria provided, single submitter. Criteria: Ambry Variant Classification Scheme 2023. Collection method: clinical testing. Allele origin: germline.